The following is an entry in ClinVar:

ClinVar aggregate classification (somatic clinical impact): Tier II - Potential (1 of 4 stars; one submission).
ClinVar aggregate classification (oncogenicity): Uncertain significance (1 of 4 stars; one submission).

Conditions:
Diffuse pediatric-type high-grade glioma, H3-wildtype and IDH-wildtype. Identifiers: MedGen C5669918, MONDO:0858939.
Neoplasm. Also called: Neoplasms; Neoplasm (disease); tumor. Identifiers: MedGen C0027651, MeSH D009369, MONDO:0005070, HP:0002664.

gnomAD v4.1: 1 of 1,612,798 alleles (0.000062%); highest among the groups gnomAD compares: Non-Finnish European, 0.000085%; no homozygotes.

Submissions (2):

Center for Genomic Medicine, Rigshospitalet, Copenhagen University Hospital
Classification: Uncertain significance for Neoplasm. Last evaluated: 2025-03-04. Review status: criteria provided, single submitter. Criteria: ClinGen/CGC/VICC Guidelines for Oncogenicity, 2022. Collection method: clinical testing. Allele origin: somatic. Affected: yes.

Institute for Genomic Medicine (IGM) Clinical Laboratory, Nationwide Children's Hospital
Classification: Tier II - Potential for Diffuse pediatric-type high-grade glioma, H3-wildtype and IDH-wildtype. Assertion type: diagnostic. Clinical significance: supports diagnosis. Last evaluated: 2023-08-01. Review status: criteria provided, single submitter. Criteria: AMP/ASCO/CAP Guidelines, 2017. Collection method: clinical testing. Allele origin: somatic. Affected: yes.
Comment: Variant has Tier II (potential) clinical significance as a diagnostic inclusion criterion in diffuse pediatric-type high-grade glioma, H3-wildtype and IDH-wildtype, based on the following evidence: 1) Documented in one or more cancer databases (e.g., St. Jude Pecan, COSMIC, CIViC, OncoKB). 2) Diagnostic significance based on multiple small studies (Evidence Level C; PMID: 28966033).

Literature cited by the submitters: PubMed 36702998 (cited by Center for Genomic Medicine, Rigshospitalet, Copenhagen University Hospital); PubMed 28424412 (cited by Center for Genomic Medicine, Rigshospitalet, Copenhagen University Hospital); PubMed 35346215 (cited by Center for Genomic Medicine, Rigshospitalet, Copenhagen University Hospital); PubMed 28966033 (cited by Institute for Genomic Medicine (IGM) Clinical Laboratory, Nationwide Children's Hospital).

NM_001349798.2(FBXW7):c.1745C>T (p.Ser582Leu)

Gene: FBXW7 (F-box and WD repeat domain containing 7; minus strand). Cytogenetic location: 4q31.3.
Variant type: single nucleotide variant.
Coding change: c.1745C>T on transcript NM_001349798.2 (MANE Select); coding-DNA position 1745, C replaced by T.
Protein change: p.Ser582Leu; replaces serine 582 with leucine.
Molecular consequence: missense variant.
Genome position (GRCh38, 1-based): chr4:152,324,294, G>A on the plus strand (C>T on the coding strand, the complement: FBXW7 is on the minus strand). VCF-style: chr4-152324294-G-A. GRCh37 (hg19) VCF-style: chr4-153245446-G-A.
Other names: c.1391C>T, p.Ser464Leu (NM_001013415.2); c.1505C>T, p.Ser502Leu (NM_018315.5); c.1745C>T, p.Ser582Leu (NM_033632.3); short protein forms S502L, S464L, S582L.
Identifiers: ClinVar variation 3257862 (VCV003257862.3).